The following is an entry in ClinVar:

ClinVar aggregate classification (germline): Uncertain significance (1 of 4 stars; one submission).

Submission:

GeneDx
Classification: Uncertain significance. Last evaluated: 2022-05-16. Review status: criteria provided, single submitter. Criteria: GeneDx Variant Classification Process June 2021. Collection method: clinical testing. Allele origin: germline. Affected: yes.
Comment: Not observed at significant frequency in large population cohorts (gnomAD); In silico analysis supports that this missense variant has a deleterious effect on protein structure/function; Has not been previously published as pathogenic or benign to our knowledge

NM_153252.5(BRWD3):c.1789C>T (p.His597Tyr)

Gene: BRWD3 (bromodomain and WD repeat domain containing 3; minus strand). Cytogenetic location: Xq21.1.
Variant type: single nucleotide variant.
Coding change: c.1789C>T on transcript NM_153252.5 (MANE Select); coding-DNA position 1789, C replaced by T.
Protein change: p.His597Tyr; replaces histidine 597 with tyrosine.
Molecular consequence: missense variant.
Genome position (GRCh38, 1-based): chrX:80,722,649, G>A on the plus strand (C>T on the coding strand, the complement: BRWD3 is on the minus strand). VCF-style: chrX-80722649-G-A. GRCh37 (hg19) VCF-style: chrX-79978148-G-A.
Other names: short protein forms H597Y.
Identifiers: ClinVar variation 1684088 (VCV001684088.2), dbSNP rs2147754115, ClinGen allele CA413634350.